The following is an entry in ClinVar:

NM_005267.5(GJA8):c.1001A>C (p.Glu334Ala)

Gene: GJA8 (gap junction protein alpha 8; plus strand). Cytogenetic location: 1q21.2.
Variant type: single nucleotide variant.
Coding change: c.1001A>C on transcript NM_005267.5 (MANE Select); coding-DNA position 1001, A replaced by C.
Protein change: p.Glu334Ala; replaces glutamic acid 334 with alanine.
Molecular consequence: missense variant.
Genome position (GRCh38, 1-based): chr1:147,908,956, A>C. VCF-style: chr1-147908956-A-C. GRCh37 (hg19) VCF-style: chr1-147381083-A-C.
Other names: short protein forms E334A.
Identifiers: ClinVar variation 3688681 (VCV003688681.2).

ClinVar aggregate classification (germline): Uncertain significance (1 of 4 stars; one submission).

Conditions:
Cataract 1 multiple types. Also called: CATARACT, DUFFY-LINKED; CATARACT 1, POSTERIOR SUBCAPSULAR, WITH MICROCORNEA; CATARACT 1, STELLATE NUCLEAR, WITH MICROCORNEA; CATARACT 1, NUCLEAR PROGRESSIVE; CATARACT 1 WITH MICROCORNEA; CATARACT 1, MULTIPLE TYPES, WITH OR WITHOUT MICROCORNEA. Identifiers: Orphanet 1377, MedGen C1861828, MONDO:0007285, OMIM 116200.

Submission:

Labcorp Genetics (formerly Invitae), Labcorp
Classification: Uncertain significance for Cataract 1 multiple types. Last evaluated: 2024-06-12. Review status: criteria provided, single submitter. Criteria: Invitae Variant Classification Sherloc (09022015). Collection method: clinical testing. Allele origin: germline.
Comment: This sequence change replaces glutamic acid, which is acidic and polar, with alanine, which is neutral and non-polar, at codon 334 of the GJA8 protein (p.Glu334Ala). This variant is not present in population databases (gnomAD no frequency). This variant has not been reported in the literature in individuals affected with GJA8-related conditions. Advanced modeling of protein sequence and biophysical properties (such as structural, functional, and spatial information, amino acid conservation, physicochemical variation, residue mobility, and thermodynamic stability) performed at Invitae indicates that this missense variant is not expected to disrupt GJA8 protein function with a negative predictive value of 95%. In summary, the available evidence is currently insufficient to determine the role of this variant in disease. Therefore, it has been classified as a Variant of Uncertain Significance.